The following is an entry in ClinVar:

ClinVar aggregate classification (germline): Uncertain significance (1 of 4 stars; one submission).

Conditions:
COG5-congenital disorder of glycosylation. Also called: CDG IIi; COG5-CDG; CONGENITAL DISORDER OF GLYCOSYLATION, TYPE IIi. Identifiers: Orphanet 263487, MedGen C3150876, MONDO:0013325, OMIM 613612.

Allele frequency attached by ClinVar (database versions not stated): gnomAD exomes below 0.00001; ExAC 0.00001.

Submission:

Labcorp Genetics (formerly Invitae), Labcorp
Classification: Uncertain significance for COG5-congenital disorder of glycosylation. Last evaluated: 2021-08-27. Review status: criteria provided, single submitter. Criteria: Invitae Variant Classification Sherloc (09022015). Collection method: clinical testing. Allele origin: germline.
Comment: In summary, the available evidence is currently insufficient to determine the role of this variant in disease. Therefore, it has been classified as a Variant of Uncertain Significance. Algorithms developed to predict the effect of missense changes on protein structure and function are either unavailable or do not agree on the potential impact of this missense change (SIFT: "Tolerated"; PolyPhen-2: "Benign"; Align-GVGD: "Class C25"). This variant has not been reported in the literature in individuals affected with COG5-related conditions. This variant is present in population databases (rs776229547, ExAC 0.001%). This sequence change replaces tyrosine with histidine at codon 549 of the COG5 protein (p.Tyr549His). The tyrosine residue is moderately conserved and there is a moderate physicochemical difference between tyrosine and histidine.

NM_006348.5(COG5):c.1552T>C (p.Tyr518His)

Gene: COG5 (component of oligomeric golgi complex 5; minus strand). Cytogenetic location: 7q22.3.
Variant type: single nucleotide variant.
Coding change: c.1552T>C on transcript NM_006348.5 (MANE Select); coding-DNA position 1552, T replaced by C.
Protein change: p.Tyr518His; replaces tyrosine 518 with histidine.
Molecular consequence: missense variant.
Genome position (GRCh38, 1-based): chr7:107,281,323, A>G on the plus strand (T>C on the coding strand, the complement: COG5 is on the minus strand). VCF-style: chr7-107281323-A-G. GRCh37 (hg19) VCF-style: chr7-106921768-A-G.
Other names: c.1552T>C, p.Tyr518His (NM_001161520.2, NM_001379512.1, NM_001379513.1 and 2 more transcripts); c.1390T>C, p.Tyr464His (NM_001379511.1); c.982T>C, p.Tyr328His (NM_001379515.1); c.838T>C, p.Tyr280His (NM_001379516.1); short protein forms Y280H, Y464H, Y328H, Y518H.
Identifiers: ClinVar variation 1472838 (VCV001472838.6), dbSNP rs776229547, ClinGen allele CA4430880.